The following is an entry in ClinVar:

NM_001927.4(DES):c.565C>T (p.Arg189Trp)

Gene: DES (desmin; plus strand). Cytogenetic location: 2q35.
Variant type: single nucleotide variant.
Coding change: c.565C>T on transcript NM_001927.4 (MANE Select); coding-DNA position 565, C replaced by T.
Protein change: p.Arg189Trp; replaces arginine 189 with tryptophan.
Molecular consequence: missense variant.
Genome position (GRCh38, 1-based): chr2:219,419,027, C>T. VCF-style: chr2-219419027-C-T. GRCh37 (hg19) VCF-style: chr2-220283749-C-T.
Other names: c.565C>T (LRG_380t1); short protein forms R189W.
Identifiers: ClinVar variation 577606 (VCV000577606.14), dbSNP rs1223277151, ClinGen allele CA350687147.
Genomic context (GRCh38, chr2:219,419,027, plus strand): 5'-CTCACTAACCAGCGCGCGCGCGTCGACGTCGAGCGCGACAACCTGCTCGACGACCTGCAG[C>T]GGCTCAAGGCCAAGTGAGGGCCCGGCACCCCAGACTCCTCTTTCTGCGGGCAGGGCACAG-3'
Protein context (NP_001918.3, residues 179-199): ERDNLLDDLQ[Arg189Trp]LKAKLQEEIQ

ClinVar aggregate classification (germline): Uncertain significance. Review status: criteria provided, multiple submitters, no conflicts (2 of 4 stars). 4 submissions from 4 submitters: Uncertain significance (4). Last evaluated 2024-12-04.

Conditions:
Desmin-related myofibrillar myopathy (MFM1). Also called: Desminopathy; Myofibrillar myopathy 1; MYOFIBRILLAR MYOPATHY WITH ARRHYTHMOGENIC RIGHT VENTRICULAR CARDIOMYOPATHY; DESMIN-RELATED MYOPATHY WITH ARRHYTHMOGENIC RIGHT VENTRICULAR CARDIOMYOPATHY; Desmin related myopathy (former name); Desmin storage myopathy (former name). Identifiers: Orphanet 363543, Orphanet 98909, MedGen C1832370, MONDO:0011076, OMIM 601419.
Cardiovascular phenotype. Identifiers: MedGen CN230736.

Allele frequency attached by ClinVar (database versions not stated): gnomAD exomes below 0.00001; gnomAD 0.00001.
gnomAD v4.1: 3 of 1,541,930 alleles (0.00019%); highest among the groups gnomAD compares: East Asian, 0.0024%; no homozygotes.

Submissions (4):

Labcorp Genetics (formerly Invitae), Labcorp
Classification: Uncertain significance for Desmin-related myofibrillar myopathy. Last evaluated: 2024-12-04. Review status: criteria provided, single submitter. Criteria: Invitae Variant Classification Sherloc (09022015). Collection method: clinical testing. Allele origin: germline.
Comment: This sequence change replaces arginine, which is basic and polar, with tryptophan, which is neutral and slightly polar, at codon 189 of the DES protein (p.Arg189Trp). This variant is not present in population databases (gnomAD no frequency). This variant has not been reported in the literature in individuals affected with DES-related conditions. ClinVar contains an entry for this variant (Variation ID: 577606). Invitae Evidence Modeling of protein sequence and biophysical properties (such as structural, functional, and spatial information, amino acid conservation, physicochemical variation, residue mobility, and thermodynamic stability) has been performed for this missense variant. However, the output from this modeling did not meet the statistical confidence thresholds required to predict the impact of this variant on DES protein function. In summary, the available evidence is currently insufficient to determine the role of this variant in disease. Therefore, it has been classified as a Variant of Uncertain Significance.

Genomic Medicine Center of Excellence, King Faisal Specialist Hospital and Research Centre
Classification: Uncertain significance for Desmin-related myofibrillar myopathy. Last evaluated: 2024-09-22. Review status: criteria provided, single submitter. Criteria: ACMG Guidelines, 2015. Collection method: clinical testing. Allele origin: germline.

Ambry Genetics
Classification: Uncertain significance for Cardiovascular phenotype. Last evaluated: 2021-04-30. Review status: criteria provided, single submitter. Criteria: Ambry Variant Classification Scheme 2023. Collection method: clinical testing. Allele origin: germline.
Comment: The p.R189W variant (also known as c.565C>T), located in coding exon 1 of the DES gene, results from a C to T substitution at nucleotide position 565. The arginine at codon 189 is replaced by tryptophan, an amino acid with dissimilar properties. This amino acid position is not well conserved in available vertebrate species. In addition, the in silico prediction for this alteration is inconclusive. Since supporting evidence is limited at this time, the clinical significance of this alteration remains unclear.

Revvity Omics, Revvity
Classification: Uncertain significance. Last evaluated: 2021-01-20. Review status: criteria provided, single submitter. Criteria: ACMG Guidelines, 2015. Collection method: clinical testing. Allele origin: germline.